The following is an entry in ClinVar:

NM_001127496.3(SPRY4):c.-24G>A

Gene: SPRY4 (sprouty RTK signaling antagonist 4; minus strand). Cytogenetic location: 5q31.3.
Variant type: single nucleotide variant.
Coding change: c.-24G>A on transcript NM_001127496.3 (MANE Select); 24 bases upstream of the start codon, G replaced by A.
Molecular consequence: 5 prime UTR variant. On other transcripts: missense variant (1).
Genome position (GRCh38, 1-based): chr5:142,315,132, C>T on the plus strand (G>A on the coding strand, the complement: SPRY4 is on the minus strand). VCF-style: chr5-142315132-C-T. GRCh37 (hg19) VCF-style: chr5-141694697-C-T.
Other names: c.-24G>A (NM_001293289.3, NM_001293290.3); c.46G>A, p.Val16Ile (NM_030964.5); short protein forms V16I.
Identifiers: ClinVar variation 2060989 (VCV002060989.5), dbSNP rs547174965, ClinGen allele CA3485646.
Genomic context (GRCh38, chr5:142,315,132, plus strand): 5'-GAGTCAAGGGGGCGCTCTGTGGGATCGGGGGCTCCATGGGGCTGGAGGTCCTGGACTGTA[C>T]GGAGAAACAGGCTTCTAGGGGCCCTGGGGGTGGGGTGGGGAAAAGGAAGAGAGAATGGAT-3'

ClinVar aggregate classification (germline): Uncertain significance. Review status: criteria provided, multiple submitters, no conflicts (2 of 4 stars). 2 submissions from 2 submitters: Uncertain significance (2). Last evaluated 2026-02-24.

Allele frequency attached by ClinVar (database versions not stated): gnomAD 0.00014; 1000 Genomes Project 30x 0.00016; 1000 Genomes Project 0.00020; ExAC 0.00028.
gnomAD v4.1: 234 of 1,591,444 alleles (0.015%); highest among the groups gnomAD compares: Middle Eastern, 0.067%; 1 homozygote.

Submissions (2):

Women's Health and Genetics/Laboratory Corporation of America, LabCorp
Classification: Uncertain significance. Last evaluated: 2026-02-24. Review status: criteria provided, single submitter. Criteria: LabCorp Variant Classification Summary - May 2015. Collection method: clinical testing. Allele origin: germline.
Comment: Variant summary: SPRY4 c.46G>A (p.Val16Ile) results in a conservative amino acid change in the encoded protein sequence. Algorithms developed to predict the effect of missense changes on protein structure and function all suggest that this variant is likely to be tolerated. The variant allele was found at a frequency of 0.00026 in 230852 control chromosomes in the gnomAD database, including 1 homozygotes. This frequency is not significantly higher than estimated for disease-causing variants in SPRY4, allowing no conclusion about variant significance. c.46G>A has been observed in individual(s) affected with SPRY4 related disorders. These report(s) do not provide unequivocal conclusions about association of the variant with Hypogonadotropic Hypogonadism 17 With Or Without Anosmia. To our knowledge, no experimental evidence demonstrating an impact on protein function has been reported. The following publications have been ascertained in the context of this evaluation (PMID: 23643382, 30921766, 36110220). ClinVar contains an entry for this variant (Variation ID: 2060989). Based on the evidence outlined above, the variant was classified as uncertain significance.

Labcorp Genetics (formerly Invitae), Labcorp
Classification: Uncertain significance. Last evaluated: 2025-10-07. Review status: criteria provided, single submitter. Criteria: Invitae Variant Classification Sherloc (09022015). Collection method: clinical testing. Allele origin: germline.
Comment: This sequence change replaces valine, which is neutral and non-polar, with isoleucine, which is neutral and non-polar, at codon 16 of the SPRY4 protein (p.Val16Ile). This variant is present in population databases (rs547174965, gnomAD 0.07%), and has an allele count higher than expected for a pathogenic variant. This missense change has been observed in individual(s) with SPRY4-related conditions (PMID: 30921766, 36110220). ClinVar contains an entry for this variant (Variation ID: 2060989). An algorithm developed to predict the effect of missense changes on protein structure and function outputs the following: PolyPhen-2: "Benign". The isoleucine amino acid residue is found in multiple mammalian species, which suggests that this missense change does not adversely affect protein function. In summary, the available evidence is currently insufficient to determine the role of this variant in disease. Therefore, it has been classified as a Variant of Uncertain Significance.

Literature cited by the submitters: PubMed 36110220 (cited by Women's Health and Genetics/Laboratory Corporation of America, LabCorp and Labcorp Genetics (formerly Invitae), Labcorp); PubMed 23643382 (cited by Women's Health and Genetics/Laboratory Corporation of America, LabCorp); PubMed 30921766 (cited by Women's Health and Genetics/Laboratory Corporation of America, LabCorp and Labcorp Genetics (formerly Invitae), Labcorp).